The following is an entry in ClinVar:

NM_016343.4(CENPF):c.6382A>C (p.Ile2128Leu)

Gene: CENPF (centromere protein F; plus strand). Cytogenetic location: 1q41.
Variant type: single nucleotide variant.
Coding change: c.6382A>C on transcript NM_016343.4 (MANE Select); coding-DNA position 6382, A replaced by C.
Protein change: p.Ile2128Leu; replaces isoleucine 2128 with leucine.
Molecular consequence: missense variant.
Genome position (GRCh38, 1-based): chr1:214,645,952, A>C. VCF-style: chr1-214645952-A-C. GRCh37 (hg19) VCF-style: chr1-214819295-A-C.
Other names: short protein forms I2128L.
Identifiers: ClinVar variation 1419217 (VCV001419217.6), dbSNP rs2102566645, ClinGen allele CA344846368.

ClinVar aggregate classification (germline): Uncertain significance (1 of 4 stars; one submission).

Submission:

Labcorp Genetics (formerly Invitae), Labcorp
Classification: Uncertain significance. Last evaluated: 2023-08-17. Review status: criteria provided, single submitter. Criteria: Invitae Variant Classification Sherloc (09022015). Collection method: clinical testing. Allele origin: germline.
Comment: This sequence change replaces isoleucine, which is neutral and non-polar, with leucine, which is neutral and non-polar, at codon 2128 of the CENPF protein (p.Ile2128Leu). This variant is not present in population databases (gnomAD no frequency). In summary, the available evidence is currently insufficient to determine the role of this variant in disease. Therefore, it has been classified as a Variant of Uncertain Significance. An algorithm developed to predict the effect of missense changes on protein structure and function (PolyPhen-2) suggests that this variant is likely to be disruptive. ClinVar contains an entry for this variant (Variation ID: 1419217). This variant has not been reported in the literature in individuals affected with CENPF-related conditions.